The following is an entry in ClinVar:

NM_001206927.2(DNAH8):c.3377G>A (p.Arg1126His)

Gene: DNAH8 (dynein axonemal heavy chain 8; plus strand). Cytogenetic location: 6p21.2.
Variant type: single nucleotide variant.
Coding change: c.3377G>A on transcript NM_001206927.2 (MANE Select); coding-DNA position 3377, G replaced by A.
Protein change: p.Arg1126His; replaces arginine 1126 with histidine.
Molecular consequence: missense variant.
Genome position (GRCh38, 1-based): chr6:38,815,511, G>A. VCF-style: chr6-38815511-G-A. GRCh37 (hg19) VCF-style: chr6-38783287-G-A.
Other names: c.2726G>A, p.Arg909His (NM_001371.4); short protein forms R909H, R1126H.
Identifiers: ClinVar variation 655853 (VCV000655853.8), dbSNP rs776311330, ClinGen allele CA3788831.

ClinVar aggregate classification (germline): Uncertain significance. Review status: criteria provided, multiple submitters, no conflicts (2 of 4 stars). 2 submissions from 2 submitters: Uncertain significance (2). Last evaluated 2022-05-16.

Conditions:
Spermatogenic failure 46. Identifiers: MedGen C5436799, MONDO:0033673, OMIM 619095.
Primary ciliary dyskinesia. Also called: Ciliary dyskinesia. Identifiers: Orphanet 244, MedGen C0008780, MONDO:0016575, HP:0012265.

Allele frequency attached by ClinVar (database versions not stated): TOPMed 0.00007; gnomAD 0.00005 and 0.00006; ExAC 0.00007; gnomAD exomes 0.00007.
gnomAD v4.1: 103 of 1,613,766 alleles (0.0064%); highest among the groups gnomAD compares: Middle Eastern, 0.066%; no homozygotes.

Submissions (2):

Labcorp Genetics (formerly Invitae), Labcorp
Classification: Uncertain significance for Primary ciliary dyskinesia. Last evaluated: 2022-05-16. Review status: criteria provided, single submitter. Criteria: Invitae Variant Classification Sherloc (09022015). Collection method: clinical testing. Allele origin: germline.
Comment: This sequence change replaces arginine, which is basic and polar, with histidine, which is basic and polar, at codon 1126 of the DNAH8 protein (p.Arg1126His). This variant is present in population databases (rs776311330, gnomAD 0.03%). This variant has not been reported in the literature in individuals affected with DNAH8-related conditions. ClinVar contains an entry for this variant (Variation ID: 655853). Algorithms developed to predict the effect of missense changes on protein structure and function are either unavailable or do not agree on the potential impact of this missense change (SIFT: "Deleterious"; PolyPhen-2: "Not Available"; Align-GVGD: "Class C0"). In summary, the available evidence is currently insufficient to determine the role of this variant in disease. Therefore, it has been classified as a Variant of Uncertain Significance.

Fulgent Genetics
Classification: Uncertain significance for Spermatogenic failure 46. Last evaluated: 2021-11-11. Review status: criteria provided, single submitter. Criteria: ACMG Guidelines, 2015. Collection method: clinical testing. Allele origin: unknown.